The following is an entry in ClinVar:

ClinVar aggregate classification (germline): Benign. Review status: criteria provided, multiple submitters, no conflicts (2 of 4 stars). 3 submissions from 3 submitters: Benign (3). Last evaluated 2018-06-14.

Allele frequency attached by ClinVar (database versions not stated): gnomAD 0.79619 and 0.80555; TOPMed 0.79672; ESP Exome Variant Server 0.80146; 1000 Genomes Project 30x 0.80059; 1000 Genomes Project 0.80831; ExAC 0.88428.
gnomAD v4.1: 1,340,489 of 1,513,008 alleles (89%); highest among the groups gnomAD compares: East Asian, 96%; 598,801 homozygotes.

Submissions (3):

GeneDx
Classification: Benign. Last evaluated: 2018-06-14. Review status: criteria provided, single submitter. Criteria: GeneDx Variant Classification (06012015). Collection method: clinical testing. Allele origin: germline. Affected: yes.
Comment: This variant is considered likely benign or benign based on one or more of the following criteria: it is a conservative change, it occurs at a poorly conserved position in the protein, it is predicted to be benign by multiple in silico algorithms, and/or has population frequency not consistent with disease.

Breakthrough Genomics
Classification: Benign. Review status: criteria provided, single submitter. Criteria: ACMG Guidelines, 2015. Collection method: not provided. Allele origin: germline. Inheritance: Autosomal recessive inheritance. Affected: yes.

PreventionGenetics, part of Exact Sciences
Classification: Benign. Review status: criteria provided, single submitter. Criteria: ACMG Guidelines, 2015. Collection method: clinical testing. Allele origin: germline.

NM_000334.4(SCN4A):c.1243-41A>G

Gene: SCN4A (sodium voltage-gated channel alpha subunit 4; minus strand). Cytogenetic location: 17q23.3.
Variant type: single nucleotide variant.
Coding change: c.1243-41A>G on transcript NM_000334.4 (MANE Select); 41 bases into the intron before coding-DNA position 1243, A replaced by G.
Molecular consequence: intron variant.
Genome position (GRCh38, 1-based): chr17:63,964,718, T>C on the plus strand (A>G on the coding strand, the complement: SCN4A is on the minus strand). VCF-style: chr17-63964718-T-C. GRCh37 (hg19) VCF-style: chr17-62042078-T-C.
Identifiers: ClinVar variation 255843 (VCV000255843.3), dbSNP rs2877373, ClinGen allele CA8709890.